The following is an entry in ClinVar:

NM_000094.4(COL7A1):c.4197+5C>T

Gene: COL7A1 (collagen type VII alpha 1 chain; minus strand). Cytogenetic location: 3p21.31.
Variant type: single nucleotide variant.
Coding change: c.4197+5C>T on transcript NM_000094.4 (MANE Select); 5 bases into the intron after coding-DNA position 4197, C replaced by T.
Molecular consequence: intron variant.
Genome position (GRCh38, 1-based): chr3:48,584,293, G>A on the plus strand (C>T on the coding strand, the complement: COL7A1 is on the minus strand). VCF-style: chr3-48584293-G-A. GRCh37 (hg19) VCF-style: chr3-48621726-G-A.
Identifiers: ClinVar variation 3366743 (VCV003366743.2).

ClinVar aggregate classification (germline): Uncertain significance. Review status: criteria provided, multiple submitters, no conflicts (2 of 4 stars). 2 submissions from 2 submitters: Uncertain significance (2). Last evaluated 2026-02-01.

Submissions (2):

Labcorp Genetics (formerly Invitae), Labcorp
Classification: Uncertain significance. Last evaluated: 2026-02-01. Review status: criteria provided, single submitter. Criteria: Invitae Variant Classification Sherloc (09022015). Collection method: clinical testing. Allele origin: germline.
Comment: This sequence change falls in intron 36 of the COL7A1 gene. It does not directly change the encoded amino acid sequence of the COL7A1 protein. It affects a nucleotide within the consensus splice site. This variant is not present in population databases (gnomAD no frequency). This variant has not been reported in the literature in individuals affected with COL7A1-related conditions. ClinVar contains an entry for this variant (Variation ID: 3366743). Variants that disrupt the consensus splice site are a relatively common cause of aberrant splicing (PMID: 17576681, 9536098). Algorithms developed to predict the effect of sequence changes on RNA splicing suggest that this variant is not likely to affect RNA splicing. In summary, the available evidence is currently insufficient to determine the role of this variant in disease. Therefore, it has been classified as a Variant of Uncertain Significance.

Women's Health and Genetics/Laboratory Corporation of America, LabCorp
Classification: Uncertain significance. Last evaluated: 2024-08-17. Review status: criteria provided, single submitter. Criteria: LabCorp Variant Classification Summary - May 2015. Collection method: clinical testing. Allele origin: germline.

Literature cited by the submitters: PubMed 17576681 (cited by Labcorp Genetics (formerly Invitae), Labcorp); PubMed 9536098 (cited by Labcorp Genetics (formerly Invitae), Labcorp).